The following is an entry in ClinVar:

NM_000059.4(BRCA2):c.4069del (p.Leu1357fs)

Gene: BRCA2 (BRCA2 DNA repair associated; plus strand). Cytogenetic location: 13q13.1.
Variant type: Deletion.
Coding change: c.4069del on transcript NM_000059.4 (MANE Select); coding-DNA position 4069, one base deleted (C; older notation c.4069delC).
Protein change: p.Leu1357fs; shifts the reading frame from leucine 1357.
Molecular consequence: frameshift variant. On other transcripts: non-coding transcript variant (1), intron variant (2).
Genome position (GRCh38, 1-based): chr13:32,338,424, C deleted. VCF-style (leftmost placement, unchanged base first): chr13-32338423-GC-G. GRCh37 (hg19) VCF-style: chr13-32912560-GC-G.
Other names: c.4069del, p.Leu1357fs (NM_001406719.1, NM_001406720.1, NM_001432077.1); c.1909+5037del (NM_001406721.1); c.425-6134del (NM_001406722.1); short protein forms L1357fs.
Identifiers: ClinVar variation 4867865 (VCV004867865.1).
Genomic context (GRCh38, chr13:32,338,423, plus strand): 5'-TGATGGCAGTGATTCAAGTAAAAATGATACTGTTTGTATTCATAAAGATGAAACGGACTT[GC>G]TATTTACTGATCAGCACAACATATGTCTTAAATTATCTGGCCAGTTTATGAAGGAGGGAA-3'

ClinVar aggregate classification (germline): Pathogenic (1 of 4 stars; one submission).

Conditions:
Hereditary cancer-predisposing syndrome. Also called: Neoplastic Syndromes, Hereditary; Tumor predisposition; Hereditary Cancer Syndrome; Hereditary neoplastic syndrome. Identifiers: Orphanet 140162, MedGen C0027672, MeSH D009386, MONDO:0015356.

Submission:

Ambry Genetics
Classification: Pathogenic for Hereditary cancer-predisposing syndrome. Last evaluated: 2026-05-20. Review status: criteria provided, single submitter. Criteria: Ambry Variant Classification Scheme 2023. Collection method: clinical testing. Allele origin: germline.
Comment: The c.4069delC variant, located in coding exon 10 of the BRCA2 gene, results from a deletion of one nucleotide at nucleotide position 4069, causing a translational frameshift with a predicted alternate stop codon (p.L1357Yfs*17). This variant is considered to be rare based on population cohorts in the Genome Aggregation Database (gnomAD). This alteration is expected to result in loss of function by premature protein truncation or nonsense-mediated mRNA decay. As such, this alteration is interpreted as a disease-causing mutation.